The following is an entry in ClinVar:

NM_000059.4(BRCA2):c.3709G>A (p.Ala1237Thr)

Gene: BRCA2 (BRCA2 DNA repair associated; plus strand). Cytogenetic location: 13q13.1.
Variant type: single nucleotide variant.
Coding change: c.3709G>A on transcript NM_000059.4 (MANE Select); coding-DNA position 3709, G replaced by A.
Protein change: p.Ala1237Thr; replaces alanine 1237 with threonine.
Molecular consequence: missense variant.
Genome position (GRCh38, 1-based): chr13:32,338,064, G>A. VCF-style: chr13-32338064-G-A. GRCh37 (hg19) VCF-style: chr13-32912201-G-A.
Other names: short protein forms A1237T.
Identifiers: ClinVar variation 641371 (VCV000641371.11), dbSNP rs398122770, ClinGen allele CA387778065.

ClinVar aggregate classification (germline): Conflicting classifications of pathogenicity. Review status: criteria provided, conflicting classifications (1 of 4 stars). 3 submissions from 3 submitters: Uncertain significance (2); Likely benign (1). Last evaluated 2023-12-21.

Conditions:
Hereditary cancer-predisposing syndrome. Also called: Neoplastic Syndromes, Hereditary; Tumor predisposition; Hereditary Cancer Syndrome; Hereditary neoplastic syndrome. Identifiers: Orphanet 140162, MedGen C0027672, MeSH D009386, MONDO:0015356.
Hereditary breast ovarian cancer syndrome. Also called: Hereditary breast and ovarian cancer; Hereditary breast and ovarian cancer syndrome (HBOC); BRCA1- and BRCA2-Associated Hereditary Breast and Ovarian Cancer; Hereditary breast and ovarian cancer syndrome; Hereditary breast and/or ovarian cancer syndrome; Breast and ovarian cancer. Identifiers: Orphanet 145, MedGen C0677776, MeSH D061325, MONDO:0003582. Disease mechanism: loss of function.

Submissions (3):

Ambry Genetics
Classification: Uncertain significance for Hereditary cancer-predisposing syndrome. Last evaluated: 2023-12-21. Review status: criteria provided, single submitter. Criteria: Ambry Variant Classification Scheme 2023. Collection method: clinical testing. Allele origin: germline.
Comment: The p.A1237T variant (also known as c.3709G>A), located in coding exon 10 of the BRCA2 gene, results from a G to A substitution at nucleotide position 3709. The alanine at codon 1237 is replaced by threonine, an amino acid with similar properties. This amino acid position is conserved. In addition, the in silico prediction for this alteration is inconclusive. Since supporting evidence is limited at this time, the clinical significance of this alteration remains unclear.

University of Washington Department of Laboratory Medicine, University of Washington
Classification: Likely benign for Hereditary cancer-predisposing syndrome. Last evaluated: 2023-03-23. Review status: criteria provided, single submitter. Criteria: Dines et al. (Genet Med. 2020). Collection method: curation. Allele origin: germline.
Comment: Missense variant in a coldspot region where missense variants are very unlikely to be pathogenic (PMID:31911673).

BRCA2 exon 11 coldspot. Reclassification based on statistical prior probability.

Labcorp Genetics (formerly Invitae), Labcorp
Classification: Uncertain significance for Hereditary breast ovarian cancer syndrome. Last evaluated: 2018-08-06. Review status: criteria provided, single submitter. Criteria: Invitae Variant Classification Sherloc (09022015). Collection method: clinical testing. Allele origin: germline.
Comment: This sequence change replaces alanine with threonine at codon 1237 of the BRCA2 protein (p.Ala1237Thr). The alanine residue is highly conserved and there is a small physicochemical difference between alanine and threonine. This variant is not present in population databases (ExAC no frequency). This variant has not been reported in the literature in individuals with BRCA2-related disease. Algorithms developed to predict the effect of missense changes on protein structure and function are either unavailable or do not agree on the potential impact of this missense change (SIFT: "Deleterious"; PolyPhen-2: "Probably Damaging"; Align-GVGD: "Class C0"). In summary, the available evidence is currently insufficient to determine the role of this variant in disease. Therefore, it has been classified as a Variant of Uncertain Significance.